The following is an entry in ClinVar:

ClinVar aggregate classification (germline): Uncertain significance (1 of 4 stars; one submission).

gnomAD v4.1: 6 of 1,613,832 alleles (0.00037%); highest among the groups gnomAD compares: African/African-American, 0.0013%; no homozygotes.

Submission:

Mayo Clinic Laboratories, Mayo Clinic
Classification: Uncertain significance. Last evaluated: 2025-09-09. Review status: criteria provided, single submitter. Criteria: ACMG Guidelines, 2015. Collection method: clinical testing. Allele origin: germline. Observed: 1 variant allele.
Comment: PP3_moderate, PM2_supporting

NM_002473.6(MYH9):c.5476G>A (p.Glu1826Lys)

Gene: MYH9 (myosin heavy chain 9; minus strand). Cytogenetic location: 22q12.3.
Variant type: single nucleotide variant.
Coding change: c.5476G>A on transcript NM_002473.6 (MANE Select); coding-DNA position 5476, G replaced by A.
Protein change: p.Glu1826Lys; replaces glutamic acid 1826 with lysine.
Molecular consequence: missense variant.
Genome position (GRCh38, 1-based): chr22:36,285,128, C>T on the plus strand (G>A on the coding strand, the complement: MYH9 is on the minus strand). VCF-style: chr22-36285128-C-T. GRCh37 (hg19) VCF-style: chr22-36681174-C-T.
Other names: p.Glu1826Lys; short protein forms E1826K.
Identifiers: ClinVar variation 4542446 (VCV004542446.1).